The following is an entry in ClinVar:

NM_005612.5(REST):c.663C>A (p.Cys221Ter)

Gene: REST (RE1 silencing transcription factor; plus strand). Cytogenetic location: 4q12.
Variant type: single nucleotide variant.
Coding change: c.663C>A on transcript NM_005612.5 (MANE Select); coding-DNA position 663, C replaced by A.
Protein change: p.Cys221Ter; replaces cysteine 221 with a stop codon.
Molecular consequence: nonsense.
Genome position (GRCh38, 1-based): chr4:56,911,301, C>A. VCF-style: chr4-56911301-C-A. GRCh37 (hg19) VCF-style: chr4-57777467-C-A.
Other names: c.663C>A, p.Cys221Ter (NM_001193508.2, NM_001363453.3); short protein forms C221*.
Identifiers: ClinVar variation 3660060 (VCV003660060.2).

ClinVar aggregate classification (germline): Pathogenic (1 of 4 stars; one submission).

Submission:

Labcorp Genetics (formerly Invitae), Labcorp
Classification: Pathogenic. Last evaluated: 2024-07-21. Review status: criteria provided, single submitter. Criteria: Invitae Variant Classification Sherloc (09022015). Collection method: clinical testing. Allele origin: germline.
Comment: This sequence change creates a premature translational stop signal (p.Cys221*) in the REST gene. It is expected to result in an absent or disrupted protein product. Loss-of-function variants in REST are known to be pathogenic (PMID: 26551668). This variant is not present in population databases (gnomAD no frequency). This variant has not been reported in the literature in individuals affected with REST-related conditions. For these reasons, this variant has been classified as Pathogenic.

Literature cited by the submitters: PubMed 26551668.